The following is an entry in ClinVar:

ClinVar aggregate classification (germline): Uncertain significance (1 of 4 stars; one submission).

gnomAD v4.1: 3 of 1,614,166 alleles (0.00019%); highest among the groups gnomAD compares: Non-Finnish European, 0.00025%; no homozygotes.

Submission:

GeneDx
Classification: Uncertain significance. Last evaluated: 2025-01-06. Review status: criteria provided, single submitter. Criteria: GeneDx Variant Classification Process June 2021. Collection method: clinical testing. Allele origin: germline. Affected: yes.
Comment: Not observed at significant frequency in large population cohorts (gnomAD); In silico analysis supports that this missense variant has a deleterious effect on protein structure/function; Has not been previously published as pathogenic or benign to our knowledge

NM_006096.4(NDRG1):c.487A>T (p.Ile163Phe)

Gene: NDRG1 (N-myc downstream regulated 1; minus strand). Cytogenetic location: 8q24.22.
Variant type: single nucleotide variant.
Coding change: c.487A>T on transcript NM_006096.4 (MANE Select); coding-DNA position 487, A replaced by T.
Protein change: p.Ile163Phe; replaces isoleucine 163 with phenylalanine.
Molecular consequence: missense variant.
Genome position (GRCh38, 1-based): chr8:133,256,827, T>A on the plus strand (A>T on the coding strand, the complement: NDRG1 is on the minus strand). VCF-style: chr8-133256827-T-A. GRCh37 (hg19) VCF-style: chr8-134269070-T-A.
Other names: c.487A>T, p.Ile163Phe (NM_001135242.2, NM_001374844.1, NM_001374845.1 and 1 more transcripts); c.289A>T, p.Ile97Phe (NM_001258432.2, NM_001374847.1); c.244A>T, p.Ile82Phe (NM_001258433.2); short protein forms I82F, I163F, I97F.
Identifiers: ClinVar variation 4055887 (VCV004055887.1).